The following is an entry in ClinVar:

NM_007294.4(BRCA1):c.742A>G (p.Thr248Ala)

Gene: BRCA1 (BRCA1 DNA repair associated; minus strand). Cytogenetic location: 17q21.31.
Variant type: single nucleotide variant.
Coding change: c.742A>G on transcript NM_007294.4 (MANE Select); coding-DNA position 742, A replaced by G.
Protein change: p.Thr248Ala; replaces threonine 248 with alanine.
Molecular consequence: missense variant. On other transcripts: non-coding transcript variant (1).
Genome position (GRCh38, 1-based): chr17:43,094,789, T>C on the plus strand (A>G on the coding strand, the complement: BRCA1 is on the minus strand). VCF-style: chr17-43094789-T-C. GRCh37 (hg19) VCF-style: chr17-41246806-T-C.
Other names: c.532A>G, p.Thr178Ala (NM_001408481.1, NM_001408482.1, NM_001408483.1 and 25 more transcripts); c.742A>G, p.Thr248Ala (NM_001407603.1, NM_001407968.1, NM_001407605.1 and 54 more transcripts); c.406A>G, p.Thr136Ala (NM_001407958.1, NM_001407954.1, NM_001407955.1 and 3 more transcripts); c.361A>G, p.Thr121Ala (NM_001407959.1, NM_001407960.1, NM_001407963.1 and 1 more transcripts); c.598A>G, p.Thr200Ala (NM_001407964.1, NM_001407740.1, NM_001407741.1 and 26 more transcripts); c.529A>G, p.Thr177Ala (NM_001408490.1, NM_001408491.1, NM_001407571.1 and 12 more transcripts); c.358A>G, p.Thr120Ala (NM_001407962.1); c.238A>G, p.Thr80Ala (NM_001407965.1, NM_001408512.1); and 14 more; short protein forms T248A, T201A, T120A, T181A, T203A, T247A, T178A, T180A.
Identifiers: ClinVar variation 531383 (VCV000531383.16), dbSNP rs879255288, ClinGen allele CA10600599.

ClinVar aggregate classification (germline): Conflicting classifications of pathogenicity. Review status: criteria provided, conflicting classifications (1 of 4 stars). 4 submissions from 4 submitters: Uncertain significance (3); Likely benign (1). Last evaluated 2025-10-01.

Conditions:
Hereditary cancer-predisposing syndrome. Also called: Hereditary neoplastic syndrome; Neoplastic Syndromes, Hereditary; Tumor predisposition; Hereditary Cancer Syndrome. Identifiers: Orphanet 140162, MedGen C0027672, MeSH D009386, MONDO:0015356.
Hereditary breast ovarian cancer syndrome. Also called: Hereditary breast and ovarian cancer syndrome (HBOC); BRCA1- and BRCA2-Associated Hereditary Breast and Ovarian Cancer; Hereditary breast and ovarian cancer syndrome; Breast and ovarian cancer; Hereditary breast and ovarian cancer; Hereditary breast and/or ovarian cancer syndrome. Identifiers: Orphanet 145, MedGen C0677776, MeSH D061325, MONDO:0003582. Disease mechanism: loss of function.

Allele frequency attached by ClinVar (database versions not stated): gnomAD exomes below 0.00001.
gnomAD v4.1: 1 of 1,613,240 alleles (0.000062%); no homozygotes.

Submissions (4):

Labcorp Genetics (formerly Invitae), Labcorp
Classification: Uncertain significance for Hereditary breast ovarian cancer syndrome. Last evaluated: 2025-10-01. Review status: criteria provided, single submitter. Criteria: Invitae Variant Classification Sherloc (09022015). Collection method: clinical testing. Allele origin: germline.
Comment: This sequence change replaces threonine, which is neutral and polar, with alanine, which is neutral and non-polar, at codon 248 of the BRCA1 protein (p.Thr248Ala). This variant is present in population databases (no rsID available, gnomAD no frequency). This variant has not been reported in the literature in individuals affected with BRCA1-related conditions. ClinVar contains an entry for this variant (Variation ID: 531383). Invitae Evidence Modeling of protein sequence and biophysical properties (such as structural, functional, and spatial information, amino acid conservation, physicochemical variation, residue mobility, and thermodynamic stability) indicates that this missense variant is not expected to disrupt BRCA1 protein function with a negative predictive value of 80%. In summary, the available evidence is currently insufficient to determine the role of this variant in disease. Therefore, it has been classified as a Variant of Uncertain Significance.

University of Washington Department of Laboratory Medicine, University of Washington
Classification: Likely benign for Hereditary cancer-predisposing syndrome. Last evaluated: 2023-03-23. Review status: criteria provided, single submitter. Criteria: Dines et al. (Genet Med. 2020). Collection method: curation. Allele origin: germline.
Comment: Missense variant in a coldspot region where missense variants are very unlikely to be pathogenic (PMID:31911673).

BRCA1 coldspot (exon 11 using historical exon numbering). Reclassification based on statistical prior probability

Ambry Genetics
Classification: Uncertain significance for Hereditary cancer-predisposing syndrome. Last evaluated: 2021-12-10. Review status: criteria provided, single submitter. Criteria: Ambry Variant Classification Scheme 2023. Collection method: clinical testing. Allele origin: germline.
Comment: The p.T248A variant (also known as c.742A>G), located in coding exon 9 of the BRCA1 gene, results from an A to G substitution at nucleotide position 742. The threonine at codon 248 is replaced by alanine, an amino acid with similar properties. This amino acid position is not well conserved in available vertebrate species. In addition, the in silico prediction for this alteration is inconclusive. Since supporting evidence is limited at this time, the clinical significance of this alteration remains unclear.

Women's Health and Genetics/Laboratory Corporation of America, LabCorp
Classification: Uncertain significance. Last evaluated: 2020-11-05. Review status: criteria provided, single submitter. Criteria: LabCorp Variant Classification Summary - May 2015. Collection method: clinical testing. Allele origin: germline.
Comment: Variant summary: BRCA1 c.742A>G (p.Thr248Ala) results in a non-conservative amino acid change in the encoded protein sequence. Four of five in-silico tools predict a benign effect of the variant on protein function. The variant allele was found at a frequency of 4e-06 in 249922 control chromosomes (gnomAD). The available data on variant occurrences in the general population are insufficient to allow any conclusion about variant significance. To our knowledge, no occurrence of c.742A>G in individuals affected with Hereditary Breast and Ovarian Cancer Syndrome and no experimental evidence demonstrating its impact on protein function have been reported. One clinical diagnostic laboratory has submitted clinical-significance assessments for this variant to ClinVar after 2014 without evidence for independent evaluation. One laboratory classified the variant as uncertain significance. Based on the evidence outlined above, the variant was classified as uncertain significance.